The following is an entry in ClinVar:

NM_002547.3(OPHN1):c.887A>G (p.Lys296Arg)

Gene: OPHN1 (oligophrenin 1; minus strand). Cytogenetic location: Xq12.
Variant type: single nucleotide variant.
Coding change: c.887A>G on transcript NM_002547.3 (MANE Select); coding-DNA position 887, A replaced by G.
Protein change: p.Lys296Arg; replaces lysine 296 with arginine.
Molecular consequence: missense variant.
Genome position (GRCh38, 1-based): chrX:68,206,619, T>C on the plus strand (A>G on the coding strand, the complement: OPHN1 is on the minus strand). VCF-style: chrX-68206619-T-C. GRCh37 (hg19) VCF-style: chrX-67426461-T-C.
Other names: short protein forms K296R.
Identifiers: ClinVar variation 3719468 (VCV003719468.2).

ClinVar aggregate classification (germline): Uncertain significance (1 of 4 stars; one submission).

gnomAD v4.1: 7 of 1,211,484 alleles (0.00058%); highest among the groups gnomAD compares: Non-Finnish European, 0.00078%; no homozygotes.

Submission:

Labcorp Genetics (formerly Invitae), Labcorp
Classification: Uncertain significance. Last evaluated: 2025-01-02. Review status: criteria provided, single submitter. Criteria: Invitae Variant Classification Sherloc (09022015). Collection method: clinical testing. Allele origin: germline.
Comment: This sequence change replaces lysine, which is basic and polar, with arginine, which is basic and polar, at codon 296 of the OPHN1 protein (p.Lys296Arg). This variant is not present in population databases (gnomAD no frequency). This variant has not been reported in the literature in individuals affected with OPHN1-related conditions. An algorithm developed to predict the effect of missense changes on protein structure and function outputs the following: PolyPhen-2: "Benign". The arginine amino acid residue is found in multiple mammalian species, which suggests that this missense change does not adversely affect protein function. In summary, the available evidence is currently insufficient to determine the role of this variant in disease. Therefore, it has been classified as a Variant of Uncertain Significance.